The following is an entry in ClinVar:

ClinVar aggregate classification (germline): Likely benign (1 of 4 stars; one submission).

Submission:

CeGaT Center for Human Genetics Tuebingen
Classification: Likely benign. Last evaluated: 2023-10-01. Review status: criteria provided, single submitter. Criteria: CeGaT Center For Human Genetics Tuebingen Variant Classification Criteria Version 2. Collection method: clinical testing. Allele origin: germline. Affected: yes. Observed: 2 variant alleles.
Comment: MN1: BS1

NM_002430.3(MN1):c.1584GCAGCAGCAGCAGCAACAGCA[1] (p.Gln544_Gln550del)

Gene: MN1 (MN1 proto-oncogene, transcriptional regulator; minus strand). Cytogenetic location: 22q12.1.
Variant type: Microsatellite.
Coding change: c.1584GCAGCAGCAGCAGCAACAGCA[1] on transcript NM_002430.3 (MANE Select); one copy of the 21-base unit GCAGCAGCAGCAGCAACAGCA starting at c.1584; the reference has two copies in a row; one copy, 21 bases deleted.
Protein change: p.Gln544_Gln550del.
Molecular consequence: inframe deletion.
Genome position (GRCh38, 1-based): chr22:27,798,919-27,798,939, TGCTGTTGCTGCTGCTGCTGC deleted on the plus strand (GCAGCAGCAGCAGCAACAGCA on the coding strand, the reverse complement: MN1 is on the minus strand); deleting any 21 consecutive bases within chr22:27,798,919-27,798,965 gives the same sequence; the position shown is the placement nearest the transcript's 3' end. VCF-style (leftmost placement, unchanged base first): chr22-27798918-TTGCTGTTGCTGCTGCTGCTGC-T. GRCh37 (hg19) VCF-style: chr22-28194906-TTGCTGTTGCTGCTGCTGCTGC-T.
Identifiers: ClinVar variation 2653022 (VCV002653022.24), dbSNP rs765256041, ClinGen allele CA10166362.